The following is an entry in ClinVar:

ClinVar aggregate classification (germline): Conflicting classifications of pathogenicity. Review status: criteria provided, conflicting classifications (1 of 4 stars). 2 submissions from 2 submitters: Likely pathogenic (1); Uncertain significance (1). Last evaluated 2022-06-10.

Conditions:
ENPP1-related disorder. Also called: ENPP1-related disorders; ENPP1-related condition.

Allele frequency attached by ClinVar (database versions not stated): gnomAD 0.00001.
gnomAD v4.1: 12 of 1,607,738 alleles (0.00075%); highest among the groups gnomAD compares: South Asian, 0.0022%; no homozygotes.

Submissions (2):

Labcorp Genetics (formerly Invitae), Labcorp
Classification: Uncertain significance. Last evaluated: 2022-06-10. Review status: criteria provided, single submitter. Criteria: Invitae Variant Classification Sherloc (09022015). Collection method: clinical testing. Allele origin: germline.
Comment: Algorithms developed to predict the effect of missense changes on protein structure and function are either unavailable or do not agree on the potential impact of this missense change (SIFT: "Tolerated"; PolyPhen-2: "Probably Damaging"; Align-GVGD: "Class C0"). This sequence change replaces glycine, which is neutral and non-polar, with arginine, which is basic and polar, at codon 738 of the ENPP1 protein (p.Gly738Arg). The frequency data for this variant in the population databases is considered unreliable, as metrics indicate poor data quality at this position in the gnomAD database. This variant has not been reported in the literature in individuals affected with ENPP1-related conditions. In summary, the available evidence is currently insufficient to determine the role of this variant in disease. Therefore, it has been classified as a Variant of Uncertain Significance.

Blueprint Genetics
Classification: Likely pathogenic for ENPP1-related disorders. Last evaluated: 2022-04-19. Review status: criteria provided, single submitter. Criteria: ACMG Guidelines, 2015. Collection method: clinical testing. Allele origin: germline. Affected: yes. Observed: 3 variant alleles.

NM_006208.3(ENPP1):c.2212G>A (p.Gly738Arg)

Gene: ENPP1 (ectonucleotide pyrophosphatase/phosphodiesterase 1; plus strand). Cytogenetic location: 6q23.2.
Variant type: single nucleotide variant.
Coding change: c.2212G>A on transcript NM_006208.3 (MANE Select); coding-DNA position 2212, G replaced by A.
Protein change: p.Gly738Arg; replaces glycine 738 with arginine.
Molecular consequence: missense variant.
Genome position (GRCh38, 1-based): chr6:131,882,456, G>A. VCF-style: chr6-131882456-G-A. GRCh37 (hg19) VCF-style: chr6-132203596-G-A.
Other names: short protein forms G738R.
Identifiers: ClinVar variation 1931830 (VCV001931830.6), dbSNP rs1224968764, ClinGen allele CA365654488.